The following is an entry in ClinVar:

ClinVar aggregate classification (germline): Uncertain significance (1 of 4 stars; one submission).

Conditions:
Developmental and epileptic encephalopathy, 54. Also called: Epileptic encephalopathy, early infantile, 54; HNRNPU-Related Neurodevelopmental Disorder. Identifiers: MedGen C4479319, MONDO:0033363, OMIM 617391.

Submission:

Labcorp Genetics (formerly Invitae), Labcorp
Classification: Uncertain significance for Developmental and epileptic encephalopathy, 54. Last evaluated: 2025-03-30. Review status: criteria provided, single submitter. Criteria: Invitae Variant Classification Sherloc (09022015). Collection method: clinical testing. Allele origin: germline.
Comment: This sequence change replaces arginine, which is basic and polar, with leucine, which is neutral and non-polar, at codon 50 of the HNRNPU protein (p.Arg50Leu). This variant is not present in population databases (gnomAD no frequency). This variant has not been reported in the literature in individuals affected with HNRNPU-related conditions. ClinVar contains an entry for this variant (Variation ID: 645166). Invitae Evidence Modeling of protein sequence and biophysical properties (such as structural, functional, and spatial information, amino acid conservation, physicochemical variation, residue mobility, and thermodynamic stability) indicates that this missense variant is not expected to disrupt HNRNPU protein function with a negative predictive value of 95%. In summary, the available evidence is currently insufficient to determine the role of this variant in disease. Therefore, it has been classified as a Variant of Uncertain Significance.

NM_031844.3(HNRNPU):c.149G>T (p.Arg50Leu)

Gene: HNRNPU (heterogeneous nuclear ribonucleoprotein U; minus strand). Cytogenetic location: 1q44.
Variant type: single nucleotide variant.
Coding change: c.149G>T on transcript NM_031844.3 (MANE Select); coding-DNA position 149, G replaced by T.
Protein change: p.Arg50Leu; replaces arginine 50 with leucine.
Molecular consequence: missense variant.
Genome position (GRCh38, 1-based): chr1:244,864,159, C>A on the plus strand (G>T on the coding strand, the complement: HNRNPU is on the minus strand). VCF-style: chr1-244864159-C-A. GRCh37 (hg19) VCF-style: chr1-245027461-C-A.
Other names: c.149G>T, p.Arg50Leu (NM_004501.3); short protein forms R50L.
Identifiers: ClinVar variation 645166 (VCV000645166.5), dbSNP rs1573338421, ClinGen allele CA345497931.